The following is an entry in ClinVar:

NM_177438.3(DICER1):c.3853T>C (p.Tyr1285His)

Gene: DICER1 (dicer 1, ribonuclease III; minus strand). Cytogenetic location: 14q32.13.
Variant type: single nucleotide variant.
Coding change: c.3853T>C on transcript NM_177438.3 (MANE Select); coding-DNA position 3853, T replaced by C.
Protein change: p.Tyr1285His; replaces tyrosine 1285 with histidine.
Molecular consequence: missense variant. On other transcripts: non-coding transcript variant (6).
Genome position (GRCh38, 1-based): chr14:95,103,543, A>G on the plus strand (T>C on the coding strand, the complement: DICER1 is on the minus strand). VCF-style: chr14-95103543-A-G. GRCh37 (hg19) VCF-style: chr14-95569880-A-G.
Other names: c.3853T>C, p.Tyr1285His (NM_001195573.1, NM_001271282.3, NM_001291628.2 and 12 more transcripts); c.3571T>C, p.Tyr1191His (NM_001395686.1); c.3448T>C, p.Tyr1150His (NM_001395687.1, NM_001395688.1, NM_001395689.1 and 2 more transcripts); c.3286T>C, p.Tyr1096His (NM_001395691.1); c.2170T>C, p.Tyr724His (NM_001395697.1); short protein forms Y1096H, Y1150H, Y1285H, Y724H, Y1191H.
Identifiers: ClinVar variation 3720212 (VCV003720212.2).

ClinVar aggregate classification (germline): Uncertain significance (1 of 4 stars; one submission).

Conditions:
DICER1-related tumor predisposition. Also called: DICER1 syndrome; DICER1-related pleuropulmonary blastoma cancer predisposition syndrome. Identifiers: Orphanet 284343, MedGen C3839822, MONDO:0100216.

Submission:

Labcorp Genetics (formerly Invitae), Labcorp
Classification: Uncertain significance for DICER1-related tumor predisposition. Last evaluated: 2024-12-30. Review status: criteria provided, single submitter. Criteria: Invitae Variant Classification Sherloc (09022015). Collection method: clinical testing. Allele origin: germline.
Comment: This sequence change replaces tyrosine, which is neutral and polar, with histidine, which is basic and polar, at codon 1285 of the DICER1 protein (p.Tyr1285His). This variant is not present in population databases (gnomAD no frequency). This variant has not been reported in the literature in individuals affected with DICER1-related conditions. Invitae Evidence Modeling of protein sequence and biophysical properties (such as structural, functional, and spatial information, amino acid conservation, physicochemical variation, residue mobility, and thermodynamic stability) indicates that this missense variant is not expected to disrupt DICER1 protein function with a negative predictive value of 95%. In summary, the available evidence is currently insufficient to determine the role of this variant in disease. Therefore, it has been classified as a Variant of Uncertain Significance.